The following continues an entry in ClinVar:

NM_020975.6(RET):c.1998G>C (p.Lys666Asn)

Gene: RET. ClinVar aggregate classification (germline): Pathogenic/Likely pathogenic. Pathogenic (11); Likely pathogenic (7).

Submissions 16 to 18 of 18:

New York Genome Center
Classification: Pathogenic for Familial medullary thyroid carcinoma. Last evaluated: 2020-09-23. Review status: criteria provided, single submitter. Criteria: NYGC Assertion Criteria 2020. Collection method: clinical testing. Allele origin: inherited. Observed: 1 heterozygote. Study: CSER-NYCKidSeq.
Comment: The inherited c.1998G>C,p.Lys666Asn missense variant identified in RET has been reported to segregate with medullary thyroid carcinoma, C-cell dysplasia, and elevated calcitonin levels in several families (PMID:27673361, 20103606). This variant has also been reported in individuals with pheochromocytoma (PMID:26269449) and breast cancer (PMID:26687385). This variant is present in population database (gnomAD v2.1) with a frequency of 0.002%. Experimental studies have shown that this missense variant results in increased RET phosphorylation activity and increased transformation potential in cell culture (PMID:20103606). Rare missense variants at the same codon (p.Lys666Glu, p.Lys666Met, p.Lys666Arg) have been reported in the individuals with medullary thyroid carcinoma and multiple endocrine neoplasia type II and suggests that the lysine residue is critical for RET protein function (PMID:15858153, 21690267, 21678021, 20516206, 25319874). Based on the available evidence, the inherited missense variant c.1998G>C,p.Lys666Asn in the RET gene is classified as Pathogenic.

Hadassah Hebrew University Medical Center
Classification: Pathogenic for Multiple endocrine neoplasia, type 2. Last evaluated: 2019-06-20. Review status: criteria provided, single submitter. Criteria: ACMG Guidelines, 2015. Collection method: clinical testing. Allele origin: germline. Affected: yes.

Juno Genomics, Hangzhou Juno Genomics, Inc
Classification: Likely pathogenic for Familial medullary thyroid carcinoma; Multiple endocrine neoplasia type 2A; Multiple endocrine neoplasia type 2B. Review status: criteria provided, single submitter. Criteria: ACMG Guidelines, 2015. Collection method: clinical testing. Allele origin: germline.
Comment: Absent from controls (or at extremely low frequency if recessive) in Genome Aggregation Database.;Well-established in vitro or in vivo functional studies supportive of a damaging effect on the gene or gene product.;Same amino acid change as a previously established pathogenic variant regardless of nucleotide change.;The prevalence of the variant in affected individuals is significantly increased compared to the prevalence in controls.

Literature cited by the submitters: PubMed 15858153 (cited by 3 submitters); PubMed 20103606 (cited by 6 submitters); PubMed 21678021 (cited by Ambry Genetics); PubMed 21690267 (cited by 4 submitters); PubMed 25319874 (cited by Ambry Genetics); PubMed 25810047 (cited by Ambry Genetics); PubMed 26269449 (cited by 5 submitters); PubMed 27673361 (cited by 6 submitters); PubMed 26687385 (cited by Labcorp Genetics (formerly Invitae), Labcorp); PubMed 29408964 (cited by 4 submitters); PubMed 22865907 (cited by 3 submitters); PubMed 35304457 (cited by Women's Health and Genetics/Laboratory Corporation of America, LabCorp); PubMed 15844786 (cited by All of Us Research Program, National Institutes of Health and Color Diagnostics, LLC DBA Color Health); PubMed 28946813 (cited by All of Us Research Program, National Institutes of Health and Color Diagnostics, LLC DBA Color Health); PubMed 29684080 (cited by All of Us Research Program, National Institutes of Health and Color Diagnostics, LLC DBA Color Health).